The following is an entry in ClinVar:

ClinVar aggregate classification (germline): Pathogenic. Review status: criteria provided, multiple submitters, no conflicts (2 of 4 stars). 4 submissions from 4 submitters: Pathogenic (4). Last evaluated 2024-03-01.

Conditions:
Retinal dystrophy. Also called: Inherited retinal dystrophy. Identifiers: Orphanet 71862, MedGen C0854723, MeSH D058499, MONDO:0019118, HP:0000556.
Inborn genetic diseases. Identifiers: MedGen C0950123, MeSH D030342.
ABCA4-related disorder. Also called: ABCA4-related condition; ABCA4-related disorders. Identifiers: MedGen CN239167.

Allele frequency attached by ClinVar (database versions not stated): gnomAD exomes below 0.00001.

Submissions (4):

Labcorp Genetics (formerly Invitae), Labcorp
Classification: Pathogenic. Last evaluated: 2024-03-01. Review status: criteria provided, single submitter. Criteria: Invitae Variant Classification Sherloc (09022015). Collection method: clinical testing. Allele origin: germline.
Comment: This sequence change creates a premature translational stop signal (p.Gln437Argfs*12) in the ABCA4 gene. It is expected to result in an absent or disrupted protein product. Loss-of-function variants in ABCA4 are known to be pathogenic (PMID: 10958761, 24938718, 25312043, 26780318). This variant is present in population databases (no rsID available, gnomAD 0.0009%). This premature translational stop signal has been observed in individual(s) with ABCA4-related conditions (PMID: 26103963). ClinVar contains an entry for this variant (Variation ID: 866585). For these reasons, this variant has been classified as Pathogenic.

Blueprint Genetics
Classification: Pathogenic for ABCA4-related disorders. Last evaluated: 2019-04-02. Review status: criteria provided, single submitter. Criteria: ACMG Guidelines, 2015. Collection method: clinical testing. Allele origin: germline. Affected: yes. Observed: 5 variant alleles.

Institute of Human Genetics, Univ. Regensburg, Univ. Regensburg
Classification: Pathogenic for Retinal dystrophy. Last evaluated: 2019-01-01. Review status: criteria provided, single submitter. Criteria: ACMG Guidelines, 2015. Collection method: clinical testing. Allele origin: germline. Affected: yes.

Ambry Genetics
Classification: Pathogenic for Inborn genetic diseases. Last evaluated: 2018-06-07. Review status: criteria provided, single submitter. Criteria: Ambry exome assertion method (8-5-2015). Collection method: clinical testing. Allele origin: germline. Affected: yes. Observed: 1 variant allele.

Literature cited by the submitters: PubMed 10958761 (cited by Labcorp Genetics (formerly Invitae), Labcorp); PubMed 24938718 (cited by Labcorp Genetics (formerly Invitae), Labcorp); PubMed 25312043 (cited by Labcorp Genetics (formerly Invitae), Labcorp); PubMed 26780318 (cited by Labcorp Genetics (formerly Invitae), Labcorp); PubMed 26103963 (cited by 3 submitters); PubMed 31964843 (cited by Institute of Human Genetics, Univ. Regensburg, Univ. Regensburg); PubMed 32307445 (cited by Institute of Human Genetics, Univ. Regensburg, Univ. Regensburg); PubMed 34073554 (cited by Institute of Human Genetics, Univ. Regensburg, Univ. Regensburg).

NM_000350.3(ABCA4):c.1302del (p.Gln437fs)

Gene: ABCA4 (ATP binding cassette subfamily A member 4; minus strand). Cytogenetic location: 1p22.1.
Variant type: Deletion.
Coding change: c.1302del on transcript NM_000350.3 (MANE Select); coding-DNA position 1302, one base deleted (A; older notation c.1302delA).
Protein change: p.Gln437fs; shifts the reading frame from glutamine 437.
Molecular consequence: frameshift variant.
Genome position (GRCh38, 1-based): chr1:94,078,644, T deleted on the plus strand (A on the coding strand, the reverse complement: ABCA4 is on the minus strand). VCF-style (leftmost placement, unchanged base first): chr1-94078643-CT-C. GRCh37 (hg19) VCF-style: chr1-94544199-CT-C.
Other names: c.1302delA, p.Gln437Argfs (NM_001425324.1); c.1302delA (NM_000350.2); short protein forms Q437fs.
Identifiers: ClinVar variation 866585 (VCV000866585.12), dbSNP rs1448468321, ClinGen allele CA524389052.
Genomic context (GRCh38, chr1:94,078,643, plus strand): 5'-CCCTTACTCTGATCATGTTCATCTGTGTGCTGTTGTCAAAGAAGTACCAGATCTGGGGCC[CT>C]ACTTCTTCCCAGGCTTTGACCAACTTCCTAACGTGTTCCAGTTCTTCAAAAGTTGAGTTG-3'